The following is an entry in ClinVar:

ClinVar aggregate classification (germline): Likely benign (0 of 4 stars; one submission).

Conditions:
MCM8-related disorder. Also called: MCM8-related condition.

Allele frequency attached by ClinVar (database versions not stated): ESP Exome Variant Server 0.00023; 1000 Genomes Project 30x 0.00125; gnomAD 0.00152; TOPMed 0.00016; 1000 Genomes Project 0.00160.
gnomAD v4.1: 1,577 of 1,596,754 alleles (0.099%); highest among the groups gnomAD compares: East Asian, 0.53%; 15 homozygotes.

Submission:

PreventionGenetics, part of Exact Sciences
Classification: Likely benign for MCM8-related condition. Last evaluated: 2019-05-27. Review status: no assertion criteria provided. Collection method: clinical testing. Allele origin: germline.
Comment: This variant is classified as likely benign based on ACMG/AMP sequence variant interpretation guidelines (Richards et al. 2015 PMID: 25741868, with internal and published modifications).

NM_032485.6(MCM8):c.2291C>T (p.Ser764Phe)

Genes: MCM8 (minichromosome maintenance 8 homologous recombination repair factor; plus strand), MCM8-AS1 (MCM8 antisense RNA 1; minus strand). Cytogenetic location: 20p12.3.
Variant type: single nucleotide variant.
Coding change: c.2291C>T on transcript NM_032485.6 (MANE Select); coding-DNA position 2291, C replaced by T.
Protein change: p.Ser764Phe; replaces serine 764 with phenylalanine.
Molecular consequence: missense variant.
Genome position (GRCh38, 1-based): chr20:5,993,556, C>T. VCF-style: chr20-5993556-C-T. GRCh37 (hg19) VCF-style: chr20-5974202-C-T.
Other names: c.2291C>T, p.Ser764Phe (NM_001281520.2); c.2411C>T, p.Ser804Phe (NM_001281521.2); c.2150C>T, p.Ser717Phe (NM_001281522.2); c.2243C>T, p.Ser748Phe (NM_182802.3); short protein forms S717F, S748F, S764F, S804F.
Identifiers: ClinVar variation 3038586 (VCV003038586.2), dbSNP rs149662059, ClinGen allele CA9757078.